The following is an entry in ClinVar:

NM_000548.5(TSC2):c.4077C>T (p.Ile1359=)

Gene: TSC2 (TSC complex subunit 2; plus strand). Cytogenetic location: 16p13.3.
Variant type: single nucleotide variant.
Coding change: c.4077C>T on transcript NM_000548.5 (MANE Select); coding-DNA position 4077, C replaced by T.
Protein change: p.Ile1359=; no amino-acid change (isoleucine 1359 retained).
Molecular consequence: synonymous variant.
Genome position (GRCh38, 1-based): chr16:2,084,299, C>T. VCF-style: chr16-2084299-C-T. GRCh37 (hg19) VCF-style: chr16-2134300-C-T.
Other names: p.I1359I:ATC>ATT; c.3876C>T, p.Ile1292= (NM_001077183.3); c.4008C>T, p.Ile1336= (NM_001114382.3); c.3768C>T, p.Ile1256= (NM_001318827.2); c.3732C>T, p.Ile1244= (NM_001318829.2); c.3345C>T, p.Ile1115= (NM_001318831.2); c.3909C>T, p.Ile1303= (NM_001318832.2); c.3879C>T, p.Ile1293= (NM_001363528.2); and 3 more.
Identifiers: ClinVar variation 196885 (VCV000196885.28), dbSNP rs150999168, ClinGen allele CA019905.

ClinVar aggregate classification (germline): Conflicting classifications of pathogenicity. Review status: criteria provided, conflicting classifications (1 of 4 stars). 11 submissions from 11 submitters: Uncertain significance (1); Benign (7); Likely benign (2). 1 of the submissions does not count toward it. Last evaluated 2026-01-19.

Conditions:
TSC2-related disorder. Also called: TSC2-Related Disorders; TSC2-related condition.
Hereditary cancer-predisposing syndrome. Also called: Tumor predisposition; Neoplastic Syndromes, Hereditary; Hereditary Cancer Syndrome; Hereditary neoplastic syndrome. Identifiers: Orphanet 140162, MedGen C0027672, MeSH D009386, MONDO:0015356.
Tuberous sclerosis syndrome (TSC). Also called: Tuberous sclerosis; Tuberous Sclerosis Complex. Identifiers: Orphanet 805, MedGen C0041341, MONDO:0001734.
Tuberous sclerosis 2 (TSC2). Identifiers: Orphanet 805, MedGen C1860707, MONDO:0013199, OMIM 613254.

Allele frequency attached by ClinVar (database versions not stated): TOPMed 0.00001; gnomAD 0.00002 and 0.00008; ESP Exome Variant Server 0.00008; ExAC 0.00009; gnomAD exomes 0.00010; 1000 Genomes Project 0.00040; 1000 Genomes Project 30x 0.00047.
gnomAD v4.1: 105 of 1,612,670 alleles (0.0065%); highest among the groups gnomAD compares: South Asian, 0.09%; 1 homozygote.

Submissions (11):

Labcorp Genetics (formerly Invitae), Labcorp
Classification: Benign for Tuberous sclerosis 2. Last evaluated: 2026-01-19. Review status: criteria provided, single submitter. Criteria: Invitae Variant Classification Sherloc (09022015). Collection method: clinical testing. Allele origin: germline.

Myriad Genetics, Inc.
Classification: Benign for Tuberous sclerosis 2. Last evaluated: 2025-06-02. Review status: criteria provided, single submitter. Criteria: Myriad Autosomal Dominant, Autosomal Recessive and X-Linked Classification Criteria (2023). Collection method: clinical testing. Allele origin: unknown.
Comment: This variant is considered benign. This variant is a silent/synonymous amino acid change and it is not expected to impact splicing.

Blueprint Genetics
Classification: Likely benign. Last evaluated: 2024-06-25. Review status: criteria provided, single submitter. Criteria: ACMG Guidelines, 2015. Collection method: clinical testing. Allele origin: germline.

All of Us Research Program, National Institutes of Health
Classification: Benign for Tuberous sclerosis syndrome. Last evaluated: 2024-01-11. Review status: criteria provided, single submitter. Criteria: ACMG Guidelines, 2015. Collection method: clinical testing. Allele origin: germline. Inheritance: Autosomal dominant inheritance. Observed: 3 variant alleles, 3 heterozygotes.
Comment: This study involves interpretation of variants in research participants for the purpose of population health screening. Participant phenotype was not available at the time of variant classification. Additional details can be found in publication PMID: 35346344, PMCID: PMC8962531

Color Diagnostics, LLC DBA Color Health
Classification: Benign for Tuberous sclerosis syndrome. Last evaluated: 2022-10-05. Review status: criteria provided, single submitter. Criteria: ACMG Guidelines, 2015. Collection method: clinical testing. Allele origin: germline.

Genome-Nilou Lab
Classification: Benign for Tuberous sclerosis 2. Last evaluated: 2021-11-07. Review status: criteria provided, single submitter. Criteria: ACMG Guidelines, 2015. Collection method: clinical testing. Allele origin: germline. Affected: no.

Sema4
Classification: Benign for Hereditary cancer-predisposing syndrome. Last evaluated: 2020-10-06. Review status: criteria provided, single submitter. Criteria: Sema4 Curation Guidelines. Collection method: curation. Allele origin: germline.

Ambry Genetics
Classification: Likely benign for Hereditary cancer-predisposing syndrome. Last evaluated: 2015-10-15. Review status: criteria provided, single submitter. Criteria: Ambry Variant Classification Scheme 2023. Collection method: clinical testing. Allele origin: germline.

Eurofins Ntd Llc (ga)
Classification: Uncertain significance. Last evaluated: 2014-12-08. Review status: criteria provided, single submitter. Criteria: EGL Classification Definitions 2015. Collection method: clinical testing. Allele origin: germline. Observed: 1 variant allele, 1 heterozygote.

GeneDx
Classification: Benign. Last evaluated: 2014-06-13. Review status: criteria provided, single submitter. Criteria: GeneDx Variant Classification (06012015). Collection method: clinical testing. Allele origin: germline. Affected: yes.
Comment: This variant is considered likely benign or benign based on one or more of the following criteria: it is a conservative change, it occurs at a poorly conserved position in the protein, it is predicted to be benign by multiple in silico algorithms, and/or has population frequency not consistent with disease.

PreventionGenetics, part of Exact Sciences
Classification: Likely benign for TSC2-related condition. Last evaluated: 2019-04-01. Review status: no assertion criteria provided. Collection method: clinical testing. Allele origin: germline. Not counted in ClinVar's aggregate classification.
Comment: This variant is classified as likely benign based on ACMG/AMP sequence variant interpretation guidelines (Richards et al. 2015 PMID: 25741868, with internal and published modifications).